The following is an entry in ClinVar:

NM_000245.4(MET):c.3523-12C>G

Gene: MET (MET proto-oncogene, receptor tyrosine kinase; plus strand). Cytogenetic location: 7q31.2.
Variant type: single nucleotide variant.
Coding change: c.3523-12C>G on transcript NM_000245.4 (MANE Select); 12 bases into the intron before coding-DNA position 3523, C replaced by G.
Molecular consequence: intron variant.
Genome position (GRCh38, 1-based): chr7:116,781,976, C>G. VCF-style: chr7-116781976-C-G. GRCh37 (hg19) VCF-style: chr7-116422030-C-G.
Other names: c.3577-12C>G (LRG_662t1, NM_001127500.2, NM_001127500.3); c.2233-12C>G (NM_001324402.2).
Identifiers: ClinVar variation 358693 (VCV000358693.29), dbSNP rs186524917, ClinGen allele CA4448743.

ClinVar aggregate classification (germline): Benign/Likely benign. Review status: criteria provided, multiple submitters, no conflicts (2 of 4 stars). 12 submissions from 12 submitters: Benign (2); Likely benign (8). 2 of the submissions do not count toward it. Last evaluated 2026-02-03.

Conditions:
Hereditary cancer-predisposing syndrome. Also called: Hereditary neoplastic syndrome; Tumor predisposition; Hereditary Cancer Syndrome; Neoplastic Syndromes, Hereditary. Identifiers: Orphanet 140162, MedGen C0027672, MeSH D009386, MONDO:0015356.
Renal cell carcinoma. Identifiers: Orphanet 217071, MedGen C0007134, MeSH D002292, MONDO:0005086, HP:0005584.
Papillary renal cell carcinoma type 1 (RCCP1). Also called: Renal adenocarcinoma; Renal cell carcinoma 1; Renal cell carcinoma, somatic; RENAL CELL CARCINOMA, PAPILLARY, 1, SOMATIC. Identifiers: Orphanet 47044, MedGen C1336839, OMIM 605074, HP:0011797.

Allele frequency attached by ClinVar (database versions not stated): 1000 Genomes Project 30x 0.00047; gnomAD 0.00053 and 0.00060; 1000 Genomes Project 0.00060; gnomAD exomes 0.00060 and 0.00061; ExAC 0.00062; TOPMed 0.00069; ESP Exome Variant Server 0.00076.
gnomAD v4.1: 962 of 1,561,002 alleles (0.062%); highest among the groups gnomAD compares: Middle Eastern, 0.97%; 4 homozygotes.

Submissions (13):

Labcorp Genetics (formerly Invitae), Labcorp
Classification: Benign for Renal cell carcinoma. Last evaluated: 2026-02-03. Review status: criteria provided, single submitter. Criteria: Invitae Variant Classification Sherloc (09022015). Collection method: clinical testing. Allele origin: germline.

Center for Genomic Medicine, Rigshospitalet, Copenhagen University Hospital
Classification: Likely benign. Last evaluated: 2025-03-04. Review status: criteria provided, single submitter. Criteria: ACMG Guidelines, 2015. Collection method: clinical testing. Allele origin: germline.

Blueprint Genetics
Classification: Likely benign. Last evaluated: 2024-11-27. Review status: criteria provided, single submitter. Criteria: ACMG Guidelines, 2015. Collection method: clinical testing. Allele origin: germline.

Myriad Genetics, Inc.
Classification: Likely benign for Papillary renal cell carcinoma type 1. Last evaluated: 2024-11-13. Review status: criteria provided, single submitter. Criteria: Myriad Autosomal Dominant, Autosomal Recessive and X-Linked Classification Criteria (2023). Collection method: clinical testing. Allele origin: unknown.
Comment: This variant is considered likely benign. This variant is intronic and is not expected to impact mRNA splicing. This variant has been observed at a population frequency that is significantly greater than expected given the associated disease prevalence and penetrance.

KCCC/NGS Laboratory, Kuwait Cancer Control Center
Classification: Likely benign for Papillary renal cell carcinoma type 1. Last evaluated: 2023-07-07. Review status: criteria provided, single submitter. Criteria: ACMG Guidelines, 2015. Collection method: clinical testing. Allele origin: germline. Affected: yes.

Department of Pathology and Laboratory Medicine, Sinai Health System
Classification: Likely benign for Papillary renal cell carcinoma type 1. Last evaluated: 2022-11-01. Review status: criteria provided, single submitter. Criteria: ACMG Guidelines, 2015. Collection method: clinical testing. Allele origin: germline. Affected: yes.

GeneDx
Classification: Likely benign. Last evaluated: 2021-05-25. Review status: criteria provided, single submitter. Criteria: GeneDx Variant Classification Process June 2021. Collection method: clinical testing. Allele origin: germline. Affected: yes.

Sema4
Classification: Likely benign for Hereditary cancer-predisposing syndrome. Last evaluated: 2021-03-28. Review status: criteria provided, single submitter. Criteria: Sema4 Curation Guidelines. Collection method: curation. Allele origin: germline.

Illumina Laboratory Services, Illumina
Classification: Benign for Papillary renal cell carcinoma type 1. Last evaluated: 2018-01-13. Review status: criteria provided, single submitter. Criteria: ICSL Variant Classification Criteria 13 December 2019. Collection method: clinical testing. Allele origin: germline.
Comment: This variant was observed in the ICSL laboratory as part of a predisposition screen in an ostensibly healthy population. It had not been previously curated by ICSL or reported in the Human Gene Mutation Database (HGMD: prior to June 1st, 2018), and was therefore a candidate for classification through an automated scoring system. Utilizing variant allele frequency, disease prevalence and penetrance estimates, and inheritance mode, an automated score was calculated to assess if this variant is too frequent to cause the disease. Based on the score and internal cut-off values, a variant classified as benign is not then subjected to further curation. The score for this variant resulted in a classification of benign for this disease.

Breakthrough Genomics
Classification: Likely benign. Review status: criteria provided, single submitter. Criteria: ACMG Guidelines, 2015. Collection method: not provided. Allele origin: germline. Inheritance: Autosomal recessive inheritance. Affected: yes.

Clinical Genetics, Academic Medical Center
Classification: Benign. Review status: no assertion criteria provided. Collection method: clinical testing. Allele origin: germline. Affected: yes. Study: VKGL Data-share Consensus. Not counted in ClinVar's aggregate classification.

Dr. Peter K. Rogan Lab, Western University
No classification provided (evidence only). Condition: Gastric cancer. Review status: no classification provided. Collection method: in vitro. Allele origin: not applicable. Functional consequence: retained intron. Not counted in ClinVar's aggregate classification.

Genome Diagnostics Laboratory, Amsterdam University Medical Center
Classification: Likely benign. Review status: no assertion criteria provided. Collection method: clinical testing. Allele origin: germline. Affected: yes. Study: VKGL Data-share Consensus. Not counted in ClinVar's aggregate classification.